The following is an entry in ClinVar:

ClinVar aggregate classification (germline): Uncertain significance (1 of 4 stars; one submission).

Conditions:
Inborn genetic diseases. Identifiers: MedGen C0950123, MeSH D030342.

Submission:

Ambry Genetics
Classification: Uncertain significance for Inborn genetic diseases. Last evaluated: 2026-06-17. Review status: criteria provided, single submitter. Criteria: Ambry Variant Classification Scheme 2023. Collection method: clinical testing. Allele origin: germline.
Comment: The p.A351T variant (also known as c.1051G>A), located in coding exon 5 of the SH2B3 gene, results from a G to A substitution at nucleotide position 1051. The alanine at codon 351 is replaced by threonine, an amino acid with similar properties. This amino acid position is conserved. In addition, this alteration is predicted to be tolerated by in silico analysis. Based on the available evidence, the clinical significance of this variant remains unclear.

NM_005475.3(SH2B3):c.1051G>A (p.Ala351Thr)

Gene: SH2B3 (SH2B adaptor protein 3; plus strand). Cytogenetic location: 12q24.12.
Variant type: single nucleotide variant.
Coding change: c.1051G>A on transcript NM_005475.3 (MANE Select); coding-DNA position 1051, G replaced by A.
Protein change: p.Ala351Thr; replaces alanine 351 with threonine.
Molecular consequence: missense variant.
Genome position (GRCh38, 1-based): chr12:111,447,359, G>A. VCF-style: chr12-111447359-G-A. GRCh37 (hg19) VCF-style: chr12-111885163-G-A.
Other names: c.445G>A, p.Ala149Thr (NM_001291424.1); short protein forms A351T, A149T.
Identifiers: ClinVar variation 5029451 (VCV005029451.1).